The following is an entry in ClinVar:

ClinVar aggregate classification (germline): Uncertain significance (1 of 4 stars; one submission).

Allele frequency attached by ClinVar (database versions not stated): ExAC 0.00002; gnomAD 0.00002; TOPMed 0.00005; 1000 Genomes Project 30x 0.00016; 1000 Genomes Project 0.00020.
gnomAD v4.1: 13 of 1,613,758 alleles (0.00081%); highest among the groups gnomAD compares: Admixed American, 0.01%; no homozygotes.

Submission:

Labcorp Genetics (formerly Invitae), Labcorp
Classification: Uncertain significance. Last evaluated: 2025-03-31. Review status: criteria provided, single submitter. Criteria: Invitae Variant Classification Sherloc (09022015). Collection method: clinical testing. Allele origin: germline.
Comment: This sequence change replaces alanine, which is neutral and non-polar, with glycine, which is neutral and non-polar, at codon 250 of the ITGA8 protein (p.Ala250Gly). This variant is present in population databases (rs200987849, gnomAD 0.009%). This variant has not been reported in the literature in individuals affected with ITGA8-related conditions. ClinVar contains an entry for this variant (Variation ID: 2081658). An algorithm developed to predict the effect of missense changes on protein structure and function (PolyPhen-2) suggests that this variant is likely to be tolerated. In summary, the available evidence is currently insufficient to determine the role of this variant in disease. Therefore, it has been classified as a Variant of Uncertain Significance.

NM_003638.3(ITGA8):c.749C>G (p.Ala250Gly)

Gene: ITGA8 (integrin subunit alpha 8; minus strand). Cytogenetic location: 10p13.
Variant type: single nucleotide variant.
Coding change: c.749C>G on transcript NM_003638.3 (MANE Select); coding-DNA position 749, C replaced by G.
Protein change: p.Ala250Gly; replaces alanine 250 with glycine.
Molecular consequence: missense variant.
Genome position (GRCh38, 1-based): chr10:15,672,677, G>C on the plus strand (C>G on the coding strand, the complement: ITGA8 is on the minus strand). VCF-style: chr10-15672677-G-C. GRCh37 (hg19) VCF-style: chr10-15714676-G-C.
Other names: c.749C>G, p.Ala250Gly (NM_001291494.2); short protein forms A250G.
Identifiers: ClinVar variation 2081658 (VCV002081658.4), dbSNP rs200987849, ClinGen allele CA5420551.
Genomic context (GRCh38, chr10:15,672,677, plus strand): 5'-GTCTTACCAAGGTAACTGTCATCATAGGAAGCTGGAGCCACTTCCGTCTGCTTTTCTCCT[G>C]CCAGTTTCCTGAGGATATCCTTGAATGAGTAATTTGCAATGATATCTGCAACACTGGCAG-3'
Protein context (NP_003629.2, residues 240-260): YSFKDILRKL[Ala250Gly]GEKQTEVAPA